The following is an entry in ClinVar:

NM_013275.6(ANKRD11):c.6647C>T (p.Ala2216Val)

Gene: ANKRD11 (ankyrin repeat domain containing 11; minus strand). Cytogenetic location: 16q24.3.
Variant type: single nucleotide variant.
Coding change: c.6647C>T on transcript NM_013275.6 (MANE Select); coding-DNA position 6647, C replaced by T.
Protein change: p.Ala2216Val; replaces alanine 2216 with valine.
Molecular consequence: missense variant.
Genome position (GRCh38, 1-based): chr16:89,279,895, G>A on the plus strand (C>T on the coding strand, the complement: ANKRD11 is on the minus strand). VCF-style: chr16-89279895-G-A. GRCh37 (hg19) VCF-style: chr16-89346303-G-A.
Other names: c.6647C>T, p.Ala2216Val (NM_001256182.2, NM_001256183.2); short protein forms A2216V.
Identifiers: ClinVar variation 1312360 (VCV001312360.3), dbSNP rs2151734743, ClinGen allele CA397150296.
Genomic context (GRCh38, chr16:89,279,895, plus strand): 5'-TCCGGATCCCCACGGGCCCTCTCTTCCGGCACCGTCTCCGCCTCCACCGCAGCTTCTAGA[G>A]CCACGTCCAGCTTTGGCTCCCCTGAGGGCTCAGGCTCGAGCTCTGCAGGGAGCCGGGTGG-3'
Protein context (NP_037407.4, residues 2206-2226): EPSGEPKLDV[Ala2216Val]LEAAVEAETV

ClinVar aggregate classification (germline): Uncertain significance. Review status: criteria provided, multiple submitters, no conflicts (2 of 4 stars). 2 submissions from 2 submitters: Uncertain significance (2). Last evaluated 2022-06-23.

gnomAD v4.1: 4 of 1,605,360 alleles (0.00025%); highest among the groups gnomAD compares: South Asian, 0.0022%; no homozygotes.

Submissions (2):

Women's Health and Genetics/Laboratory Corporation of America, LabCorp
Classification: Uncertain significance. Last evaluated: 2022-06-23. Review status: criteria provided, single submitter. Criteria: LabCorp Variant Classification Summary - May 2015. Collection method: clinical testing. Allele origin: germline.
Comment: Variant summary: ANKRD11 c.6647C>T (p.Ala2216Val) results in a non-conservative amino acid change in the encoded protein sequence. Four of five in-silico tools predict a benign effect of the variant on protein function. The variant was absent in 227628 control chromosomes (gnomAD). The available data on variant occurrences in the general population are insufficient to allow any conclusion about variant significance. To our knowledge, no occurrence of c.6647C>T in individuals affected with KBG Syndrome and no experimental evidence demonstrating its impact on protein function have been reported. One clinical diagnostic laboratory has submitted clinical-significance assessments for this variant to ClinVar after 2014 without evidence for independent evaluation and classified the variant as uncertain significance. Based on the evidence outlined above, the variant was classified as uncertain significance.

GeneDx
Classification: Uncertain significance. Last evaluated: 2019-09-18. Review status: criteria provided, single submitter. Criteria: GeneDx Variant Classification Process June 2021. Collection method: clinical testing. Allele origin: germline. Affected: yes.
Comment: Not observed in large population cohorts (Lek et al., 2016); In silico analysis, which includes protein predictors and evolutionary conservation, supports that this variant does not alter protein structure/function; Has not been previously published as pathogenic or benign to our knowledge